The following is an entry in ClinVar:

NM_007294.4(BRCA1):c.2359G>A (p.Glu787Lys)

Gene: BRCA1 (BRCA1 DNA repair associated; minus strand). Cytogenetic location: 17q21.31.
Variant type: single nucleotide variant.
Coding change: c.2359G>A on transcript NM_007294.4 (MANE Select); coding-DNA position 2359, G replaced by A.
Protein change: p.Glu787Lys; replaces glutamic acid 787 with lysine.
Molecular consequence: missense variant. On other transcripts: intron variant (137).
Genome position (GRCh38, 1-based): chr17:43,093,172, C>T on the plus strand (G>A on the coding strand, the complement: BRCA1 is on the minus strand). VCF-style: chr17-43093172-C-T. GRCh37 (hg19) VCF-style: chr17-41245189-C-T.
Other names: c.2092G>A, p.Glu698Lys (NM_001407936.1, NM_001407930.1, NM_001407931.1 and 2 more transcripts); c.2236G>A, p.Glu746Lys (NM_001407939.1, NM_001407937.1, NM_001407938.1 and 19 more transcripts); c.2233G>A, p.Glu745Lys (NM_001407940.1, NM_001407941.1, NM_001407649.1 and 11 more transcripts); c.2218G>A, p.Glu740Lys (NM_001407942.1, NM_001407692.1, NM_001407694.1 and 29 more transcripts); c.787+1572G>A (NM_001407979.1, NM_001407977.1, NM_001407982.1 and 17 more transcripts); c.646+1572G>A (NM_001408410.1, NM_001408458.1, NM_001408469.1 and 11 more transcripts); c.709+1572G>A (NM_001408415.1, NM_001408412.1, NM_001408409.1 and 2 more transcripts); c.577+1572G>A (NM_001408483.1, NM_001408481.1, NM_001408480.1 and 9 more transcripts); and 41 more; short protein forms E491K, E698K, E699K, E716K, E719K, E739K, E760K, E786K.
Identifiers: ClinVar variation 1790114 (VCV001790114.7), dbSNP rs1288796003, ClinGen allele CA10597293.
Genomic context (GRCh38, chr17:43,093,172, plus strand): 5'-CTGCACACTGACTCACACATTTATTTGGTTCTGTTTTTGCCTTCCCTAGAGTGCTAACTT[C>T]CAGTAACGAGATACTTTCCTGAGTGCCATAATCAGTACCAGGTACCAATGAAATACTGCT-3'
Protein context (NP_009225.1, residues 777-797): YGTQESISLL[Glu787Lys]VSTLGKAKTE

ClinVar aggregate classification (germline): Conflicting classifications of pathogenicity. Review status: criteria provided, conflicting classifications (1 of 4 stars). 3 submissions from 3 submitters: Uncertain significance (2); Likely benign (1). Last evaluated 2023-10-30.

Conditions:
Hereditary cancer-predisposing syndrome. Also called: Hereditary Cancer Syndrome; Hereditary neoplastic syndrome; Tumor predisposition; Neoplastic Syndromes, Hereditary. Identifiers: Orphanet 140162, MedGen C0027672, MeSH D009386, MONDO:0015356.
Hereditary breast ovarian cancer syndrome. Also called: Hereditary breast and ovarian cancer syndrome (HBOC); Hereditary breast and ovarian cancer; BRCA1- and BRCA2-Associated Hereditary Breast and Ovarian Cancer; Breast and ovarian cancer; Hereditary breast and ovarian cancer syndrome; Hereditary breast and/or ovarian cancer syndrome. Identifiers: Orphanet 145, MedGen C0677776, MeSH D061325, MONDO:0003582. Disease mechanism: loss of function.

Allele frequency attached by ClinVar (database versions not stated): TOPMed below 0.00001.

Submissions (3):

Ambry Genetics
Classification: Uncertain significance for Hereditary cancer-predisposing syndrome. Last evaluated: 2023-10-30. Review status: criteria provided, single submitter. Criteria: Ambry Variant Classification Scheme 2023. Collection method: clinical testing. Allele origin: germline.
Comment: The p.E787K variant (also known as c.2359G>A), located in coding exon 9 of the BRCA1 gene, results from a G to A substitution at nucleotide position 2359. The glutamic acid at codon 787 is replaced by lysine, an amino acid with similar properties. This variant has been reported in 1/1120 pediatric cancer patients who underwent whole genome sequencing and/or whole exome sequencing; this patient was diagnosed with a neuroblastoma (Zhang J et al. N Engl J Med, 2015 Dec;373:2336-2346). This alteration was also identified in an individual diagnosed with breast cancer (Biancolella M et al. Hum Genomics, 2021 Oct;15:65). This amino acid position is not well conserved in available vertebrate species. In addition, the in silico prediction for this alteration is inconclusive. Since supporting evidence is limited at this time, the clinical significance of this alteration remains unclear.

Labcorp Genetics (formerly Invitae), Labcorp
Classification: Uncertain significance for Hereditary breast ovarian cancer syndrome. Last evaluated: 2023-10-30. Review status: criteria provided, single submitter. Criteria: Invitae Variant Classification Sherloc (09022015). Collection method: clinical testing. Allele origin: germline.
Comment: This sequence change replaces glutamic acid, which is acidic and polar, with lysine, which is basic and polar, at codon 787 of the BRCA1 protein (p.Glu787Lys). This variant is not present in population databases (gnomAD no frequency). This missense change has been observed in individual(s) with hereditary breast and ovarian cancer (HBOC) syndrome (PMID: 34717758). ClinVar contains an entry for this variant (Variation ID: 1790114). Advanced modeling of protein sequence and biophysical properties (such as structural, functional, and spatial information, amino acid conservation, physicochemical variation, residue mobility, and thermodynamic stability) performed at Invitae indicates that this missense variant is not expected to disrupt BRCA1 protein function with a negative predictive value of 95%. In summary, the available evidence is currently insufficient to determine the role of this variant in disease. Therefore, it has been classified as a Variant of Uncertain Significance.

University of Washington Department of Laboratory Medicine, University of Washington
Classification: Likely benign for Hereditary cancer-predisposing syndrome. Last evaluated: 2023-03-23. Review status: criteria provided, single submitter. Criteria: Dines et al. (Genet Med. 2020). Collection method: curation. Allele origin: germline.
Comment: Missense variant in a coldspot region where missense variants are very unlikely to be pathogenic (PMID:31911673).

BRCA1 coldspot (exon 11 using historical exon numbering). Reclassification based on statistical prior probability

Literature cited by the submitters: PubMed 26580448 (cited by Ambry Genetics); PubMed 34717758 (cited by Ambry Genetics and Labcorp Genetics (formerly Invitae), Labcorp).